The following is an entry in ClinVar:

ClinVar aggregate classification (germline): Uncertain significance. Review status: criteria provided, multiple submitters, no conflicts (2 of 4 stars). 5 submissions from 5 submitters: Uncertain significance (4). 1 of the submissions does not count toward it. Last evaluated 2026-02-01.

Conditions:
Cardiovascular phenotype. Identifiers: MedGen CN230736.
Distal myopathy with posterior leg and anterior hand involvement. Also called: WILLIAMS DISTAL MYOPATHY. Identifiers: Orphanet 63273, MedGen C3279722, MONDO:0013550, OMIM 614065.
Myofibrillar myopathy 5. Also called: Filaminopathy (type); FILAMINOPATHY, AUTOSOMAL DOMINANT. Identifiers: Orphanet 171445, MedGen C1836050, MONDO:0012289, OMIM 609524.
Hypertrophic cardiomyopathy 26. Also called: Cardiomyopathy, familial hypertrophic, 26. Identifiers: Orphanet 75249, MedGen C4310749, MONDO:0014883, OMIM 617047.

Allele frequency attached by ClinVar (database versions not stated): gnomAD 0.00001.
gnomAD v4.1: 8 of 1,614,048 alleles (0.0005%); highest among the groups gnomAD compares: South Asian, 0.0022%; no homozygotes.

Submissions (5):

Labcorp Genetics (formerly Invitae), Labcorp
Classification: Uncertain significance for Distal myopathy with posterior leg and anterior hand involvement; Myofibrillar myopathy 5; Hypertrophic cardiomyopathy 26. Last evaluated: 2026-02-01. Review status: criteria provided, single submitter. Criteria: Invitae Variant Classification Sherloc (09022015). Collection method: clinical testing. Allele origin: germline.
Comment: This sequence change replaces arginine, which is basic and polar, with glutamine, which is neutral and polar, at codon 269 of the FLNC protein (p.Arg269Gln). This variant is not present in population databases (gnomAD no frequency). This variant has not been reported in the literature in individuals affected with FLNC-related conditions. ClinVar contains an entry for this variant (Variation ID: 645485). Invitae Evidence Modeling of protein sequence and biophysical properties (such as structural, functional, and spatial information, amino acid conservation, physicochemical variation, residue mobility, and thermodynamic stability) has been performed for this missense variant. However, the output from this modeling did not meet the statistical confidence thresholds required to predict the impact of this variant on FLNC protein function. In summary, the available evidence is currently insufficient to determine the role of this variant in disease. Therefore, it has been classified as a Variant of Uncertain Significance.

GeneDx
Classification: Uncertain significance. Last evaluated: 2025-07-11. Review status: criteria provided, single submitter. Criteria: GeneDx Variant Classification Process June 2021. Collection method: clinical testing. Allele origin: germline. Affected: yes.
Comment: Not observed at significant frequency in large population cohorts (gnomAD); In silico analysis supports that this missense variant has a deleterious effect on protein structure/function; Has not been previously published as pathogenic or benign to our knowledge

Dasa
Classification: Uncertain significance. Last evaluated: 2025-05-20. Review status: criteria provided, single submitter. Criteria: DASA Assertion Criteria. Collection method: clinical testing. Allele origin: germline.
Comment: NM_001458.5(FLNC):c.806G>A (p.Arg269Gln) is a missense variant that results in the substitution of arginine with glutamine. This variant is rare in population databases. The currently available literature and clinical evidence are not sufficient to establish a definitive association between this variant and the reported condition. Therefore, this variant is classified as a variant of uncertain significance.

Ambry Genetics
Classification: Uncertain significance for Cardiovascular phenotype. Last evaluated: 2024-12-07. Review status: criteria provided, single submitter. Criteria: Ambry Variant Classification Scheme 2023. Collection method: clinical testing. Allele origin: germline.
Comment: The p.R269Q variant (also known as c.806G>A), located in coding exon 4 of the FLNC gene, results from a G to A substitution at nucleotide position 806. The arginine at codon 269 is replaced by glutamine, an amino acid with highly similar properties. This amino acid position is conserved. In addition, the in silico prediction for this alteration is inconclusive. Based on the available evidence, the clinical significance of this variant remains unclear.

Clinical Genetics Laboratory, University Hospital Schleswig-Holstein
Classification: Uncertain significance for Distal myopathy with posterior leg and anterior hand involvement; Myofibrillar myopathy 5. Last evaluated: 2022-10-06. Review status: no assertion criteria provided. Collection method: clinical testing. Allele origin: maternal. Affected: yes. Not counted in ClinVar's aggregate classification.

NM_001458.5(FLNC):c.806G>A (p.Arg269Gln)

Gene: FLNC (filamin C; plus strand). Cytogenetic location: 7q32.1.
Variant type: single nucleotide variant.
Coding change: c.806G>A on transcript NM_001458.5 (MANE Select); coding-DNA position 806, G replaced by A.
Protein change: p.Arg269Gln; replaces arginine 269 with glutamine.
Molecular consequence: missense variant.
Genome position (GRCh38, 1-based): chr7:128,837,504, G>A. VCF-style: chr7-128837504-G-A. GRCh37 (hg19) VCF-style: chr7-128477558-G-A.
Other names: c.806G>A, p.Arg269Gln (NM_001127487.2); short protein forms R269Q.
Identifiers: ClinVar variation 645485 (VCV000645485.14), dbSNP rs1585152863, ClinGen allele CA369222539.